The following is an entry in ClinVar:

NM_001267550.2(TTN):c.72587G>A (p.Arg24196His)

Genes: TTN (titin; minus strand), TTN-AS1 (TTN antisense RNA 1; plus strand). Cytogenetic location: 2q31.2.
Variant type: single nucleotide variant.
Coding change: c.72587G>A on transcript NM_001267550.2 (MANE Select); coding-DNA position 72587, G replaced by A.
Protein change: p.Arg24196His; replaces arginine 24196 with histidine.
Molecular consequence: missense variant.
Genome position (GRCh38, 1-based): chr2:178,573,545, C>T on the plus strand (G>A on the coding strand, the complement: TTN is on the minus strand). VCF-style: chr2-178573545-C-T. GRCh37 (hg19) VCF-style: chr2-179438272-C-T.
Other names: p.R22555H:CGT>CAT; c.67664G>A, p.Arg22555His (NM_001256850.1); c.45392G>A, p.Arg15131His (NM_003319.4); c.64883G>A, p.Arg21628His (NM_133378.4); c.45767G>A, p.Arg15256His (NM_133432.3); c.45968G>A, p.Arg15323His (NM_133437.4); short protein forms R21628H, R24196H, R22555H, R15131H, R15323H, R15256H.
Identifiers: ClinVar variation 178191 (VCV000178191.40), dbSNP rs200317412, ClinGen allele CA181723.
Genomic context (GRCh38, chr2:178,573,545, plus strand): 5'-GCAAGCACAGGCTCTGATTCCAGTGGCTCTCCCACTCCATATTTATTTACAGCCATGACA[C>T]GGAATATGTATTCATTGCCTTTCAAGAGTTTAGTGACCTTTAGCTTTGTTACTTGGACTT-3'
Protein context (NP_001254479.2, residues 24186-24206): KLLKGNEYIF[Arg24196His]VMAVNKYGVG

ClinVar aggregate classification (germline): Conflicting classifications of pathogenicity. Review status: criteria provided, conflicting classifications (1 of 4 stars). 14 submissions from 14 submitters: Uncertain significance (2); Benign (3); Likely benign (8). 1 of the submissions does not count toward it. Last evaluated 2026-01-14.

Conditions:
TTN-related disorder. Also called: TTN-related condition; TTN-related disease; TTN-related disorders.
Cardiovascular phenotype. Identifiers: MedGen CN230736.
Dilated cardiomyopathy 1G (CMD1G). Identifiers: Orphanet 154, MedGen C1858763, MONDO:0011400, OMIM 604145.
Autosomal recessive limb-girdle muscular dystrophy type 2J (LGMDR10). Also called: Limb-girdle muscular dystrophy, type 2J; MUSCULAR DYSTROPHY, LIMB-GIRDLE, AUTOSOMAL RECESSIVE 10. Identifiers: Orphanet 140922, MedGen C1837342, MONDO:0012127, OMIM 608807.
Cardiomyopathy (CMYO). Also called: Cardiomyopathies. Identifiers: Orphanet 167848, MedGen C0878544, MONDO:0004994, HP:0001638. Inheritance: Various modes of inheritance.

Allele frequency attached by ClinVar (database versions not stated): gnomAD exomes 0.00007 and 0.00025; ExAC 0.00023; gnomAD 0.00059 and 0.00063; TOPMed 0.00076; 1000 Genomes Project 0.00080; 1000 Genomes Project 30x 0.00094; ESP Exome Variant Server 0.00099.
gnomAD v4.1: 184 of 1,496,218 alleles (0.012%); highest among the groups gnomAD compares: African/African-American, 0.21%; 2 homozygotes.

Submissions (14):

Labcorp Genetics (formerly Invitae), Labcorp
Classification: Likely benign for Dilated cardiomyopathy 1G; Autosomal recessive limb-girdle muscular dystrophy type 2J. Last evaluated: 2026-01-14. Review status: criteria provided, single submitter. Criteria: Invitae Variant Classification Sherloc (09022015). Collection method: clinical testing. Allele origin: germline.

Mayo Clinic Laboratories, Mayo Clinic
Classification: Likely benign. Last evaluated: 2025-05-27. Review status: criteria provided, single submitter. Criteria: ACMG Guidelines, 2015. Collection method: clinical testing. Allele origin: germline. Observed: 4 variant alleles.
Comment: BS1

Revvity Omics, Revvity
Classification: Uncertain significance. Last evaluated: 2025-05-27. Review status: criteria provided, single submitter. Criteria: ACMG Guidelines, 2015. Collection method: clinical testing. Allele origin: germline.

Molecular Diagnostic Laboratory for Inherited Cardiovascular Disease, Montreal Heart Institute
Classification: Benign. Last evaluated: 2025-04-09. Review status: criteria provided, single submitter. Criteria: ACMG Guidelines, 2015. Collection method: clinical testing. Allele origin: germline. Affected: no.
Comment: BS1;BP1

Women's Health and Genetics/Laboratory Corporation of America, LabCorp
Classification: Likely benign. Last evaluated: 2025-03-18. Review status: criteria provided, single submitter. Criteria: LabCorp Variant Classification Summary - May 2015. Collection method: clinical testing. Allele origin: germline.
Comment: Variant summary: TTN c.64883G>A (p.Arg21628His) results in a non-conservative amino acid change located in the A-band of the encoded protein sequence. Five of five in-silico tools predict a damaging effect of the variant on protein function. The variant allele was found at a frequency of 0.00025 in 166950 control chromosomes, predominantly at a frequency of 0.0028 within the African or African-American subpopulation in the gnomAD database. The observed variant frequency within African or African-American control individuals in the gnomAD database is approximately 7-fold of the estimated maximal expected allele frequency for a pathogenic variant in TTN causing Dilated Cardiomyopathy phenotype (0.00039). c.64883G>A has been reported in the literature in an individual affected with Hypertrophic Cardiomyopathy, without strong evidence for causality (Burstein_2021). This report does not provide unequivocal conclusions about association of the variant with Dilated Cardiomyopathy. To our knowledge, no experimental evidence demonstrating an impact on protein function has been reported. The following publication has been ascertained in the context of this evaluation (PMID: 32746448). ClinVar contains an entry for this variant (Variation ID: 178191). Based on the evidence outlined above, the variant was classified as likely benign.

Blueprint Genetics
Classification: Likely benign. Last evaluated: 2024-10-17. Review status: criteria provided, single submitter. Criteria: ACMG Guidelines, 2015. Collection method: clinical testing. Allele origin: germline.

GeneDx
Classification: Likely benign. Last evaluated: 2020-10-02. Review status: criteria provided, single submitter. Criteria: GeneDx Variant Classification Process June 2021. Collection method: clinical testing. Allele origin: germline. Affected: yes.

ARUP Laboratories, Molecular Genetics and Genomics, ARUP Laboratories
Classification: Likely benign. Last evaluated: 2020-10-01. Review status: criteria provided, single submitter. Criteria: ARUP Molecular Germline Variant Investigation Process 2021. Collection method: clinical testing. Allele origin: germline.

Athena Diagnostics
Classification: Benign. Last evaluated: 2020-02-19. Review status: criteria provided, single submitter. Criteria: Athena Diagnostics Criteria. Collection method: clinical testing. Allele origin: unknown.

Ambry Genetics
Classification: Likely benign for Cardiovascular phenotype. Last evaluated: 2019-12-04. Review status: criteria provided, single submitter. Criteria: Ambry Variant Classification Scheme 2023. Collection method: clinical testing. Allele origin: germline.

Eurofins Ntd Llc (ga)
Classification: Uncertain significance. Last evaluated: 2018-05-23. Review status: criteria provided, single submitter. Criteria: EGL ClinVar v180209 classification definitions. Collection method: clinical testing. Allele origin: germline. Observed: 4 variant alleles, 4 heterozygotes.

CHEO Genetics Diagnostic Laboratory, Children's Hospital of Eastern Ontario
Classification: Benign for Cardiomyopathy. Last evaluated: 2017-10-30. Review status: criteria provided, single submitter. Criteria: ACMG Guidelines, 2015. Collection method: clinical testing. Allele origin: germline. Study: Canadian Open Genetics Repository.

Laboratory for Molecular Medicine, Mass General Brigham Personalized Medicine
Classification: Likely benign. Last evaluated: 2013-09-12. Review status: criteria provided, single submitter. Criteria: LMM Criteria. Collection method: clinical testing. Allele origin: germline. Observed: 2 variant alleles.
Comment: Arg21628His in exon 275 of TTN: This variant is not expected to have clinical si gnificance because it has been identified in 0.3% (12/3854) of African American chromosomes from by the NHLBI Exome Sequencing Project (.edu/EVS/; dbSNP rs200317412). Arg21628His in exon 275 of TTN (rs200317412); al lele frequency = 0.3% 12/3854) **

PreventionGenetics, part of Exact Sciences
Classification: Likely benign for TTN-related condition. Last evaluated: 2022-02-24. Review status: no assertion criteria provided. Collection method: clinical testing. Allele origin: germline. Not counted in ClinVar's aggregate classification.
Comment: This variant is classified as likely benign based on ACMG/AMP sequence variant interpretation guidelines (Richards et al. 2015 PMID: 25741868, with internal and published modifications).

Literature cited by the submitters: PubMed 32746448 (cited by Mayo Clinic Laboratories, Mayo Clinic and Women's Health and Genetics/Laboratory Corporation of America, LabCorp); PubMed 24503780 (cited by Athena Diagnostics and Ambry Genetics); PubMed 23861362 (cited by Athena Diagnostics and Ambry Genetics).